The following is an entry in ClinVar:

ClinVar aggregate classification (germline): Likely benign (0 of 4 stars; one submission).

Conditions:
CREBBP-related disorder. Also called: CREBBP-related condition; CREBBP-related disorders.

gnomAD v4.1: 7 of 1,606,604 alleles (0.00044%); highest among the groups gnomAD compares: Non-Finnish European, 0.00043%; no homozygotes.

Submission:

PreventionGenetics, part of Exact Sciences
Classification: Likely benign for CREBBP-related condition. Last evaluated: 2023-03-08. Review status: no assertion criteria provided. Collection method: clinical testing. Allele origin: germline.
Comment: This variant is classified as likely benign based on ACMG/AMP sequence variant interpretation guidelines (Richards et al. 2015 PMID: 25741868, with internal and published modifications).

NM_004380.3(CREBBP):c.3698+7G>T

Gene: CREBBP (CREB binding lysine acetyltransferase; minus strand). Cytogenetic location: 16p13.3.
Variant type: single nucleotide variant.
Coding change: c.3698+7G>T on transcript NM_004380.3 (MANE Select); 7 bases into the intron after coding-DNA position 3698, G replaced by T.
Molecular consequence: intron variant.
Genome position (GRCh38, 1-based): chr16:3,757,281, C>A on the plus strand (G>T on the coding strand, the complement: CREBBP is on the minus strand). VCF-style: chr16-3757281-C-A. GRCh37 (hg19) VCF-style: chr16-3807282-C-A.
Other names: c.3584+7G>T (NM_001079846.1).
Identifiers: ClinVar variation 3357635 (VCV003357635.1).